The following is an entry in ClinVar:

NM_001386140.1(MTTP):c.1888A>G (p.Thr630Ala)

Gene: MTTP (microsomal triglyceride transfer protein; plus strand). Cytogenetic location: 4q23.
Variant type: single nucleotide variant.
Coding change: c.1888A>G on transcript NM_001386140.1 (MANE Select); coding-DNA position 1888, A replaced by G.
Protein change: p.Thr630Ala; replaces threonine 630 with alanine.
Molecular consequence: missense variant.
Genome position (GRCh38, 1-based): chr4:99,611,352, A>G. VCF-style: chr4-99611352-A-G. GRCh37 (hg19) VCF-style: chr4-100532509-A-G.
Other names: c.1888A>G, p.Thr630Ala (NM_000253.4); c.1639A>G, p.Thr547Ala (NM_001300785.2); short protein forms T630A, T547A.
Identifiers: ClinVar variation 347039 (VCV000347039.13), dbSNP rs368679444, ClinGen allele CA3022241.

ClinVar aggregate classification (germline): Uncertain significance. Review status: criteria provided, multiple submitters, no conflicts (2 of 4 stars). 4 submissions from 4 submitters: Uncertain significance (3). 1 of the submissions does not count toward it. Last evaluated 2025-10-13.

Conditions:
Abetalipoproteinaemia (ABL). Also called: MTP DEFICIENCY; Abetalipoproteinemia; Abetalipoproteinemia neuropathy; Apolipoprotein B deficiency; Congenital betalipoprotein deficiency syndrome. Identifiers: Orphanet 14, MedGen C0000744, MONDO:0008692, OMIM 200100, HP:0008181.

Allele frequency attached by ClinVar (database versions not stated): ExAC 0.00004; gnomAD 0.00004; gnomAD exomes 0.00004; TOPMed 0.00006; ESP Exome Variant Server 0.00015.
gnomAD v4.1: 158 of 1,613,922 alleles (0.0098%); highest among the groups gnomAD compares: Non-Finnish European, 0.013%; no homozygotes.

Submissions (4):

Women's Health and Genetics/Laboratory Corporation of America, LabCorp
Classification: Uncertain significance. Last evaluated: 2025-10-13. Review status: criteria provided, single submitter. Criteria: LabCorp Variant Classification Summary - May 2015. Collection method: clinical testing. Allele origin: germline.
Comment: Variant summary: MTTP c.1888A>G (p.Thr630Ala) results in a non-conservative amino acid change located in the Vitellogenin, N-terminal (IPR001747) of the encoded protein sequence. Algorithms developed to predict the effect of missense changes on protein structure and function are either unavailable or do not agree on the potential impact of this missense change. The variant allele was found at a frequency of 3.6e-05 in 251320 control chromosomes, predominantly at a frequency of 7.9e-05 within the Non-Finnish European subpopulation in the gnomAD database. The available data on variant occurrences in the general population are insufficient to allow any conclusion about variant significance. c.1888A>G has been reported in the literature in a Dyslipidemia cohort (Dron_2020). These report(s) do not provide unequivocal conclusions about association of the variant with Abetalipoproteinaemia (Bassen-Kornzweig Syndrome). To our knowledge, no experimental evidence demonstrating an impact on protein function has been reported. The following publication has been ascertained in the context of this evaluation (PMID: 32041611). ClinVar contains an entry for this variant (Variation ID: 347039). Based on the evidence outlined above, the variant was classified as uncertain significance.

Labcorp Genetics (formerly Invitae), Labcorp
Classification: Uncertain significance. Last evaluated: 2024-11-05. Review status: criteria provided, single submitter. Criteria: Invitae Variant Classification Sherloc (09022015). Collection method: clinical testing. Allele origin: germline.
Comment: This sequence change replaces threonine, which is neutral and polar, with alanine, which is neutral and non-polar, at codon 630 of the MTTP protein (p.Thr630Ala). This variant is present in population databases (rs368679444, gnomAD 0.008%). This variant has not been reported in the literature in individuals affected with MTTP-related conditions. ClinVar contains an entry for this variant (Variation ID: 347039). Invitae Evidence Modeling of protein sequence and biophysical properties (such as structural, functional, and spatial information, amino acid conservation, physicochemical variation, residue mobility, and thermodynamic stability) indicates that this missense variant is expected to disrupt MTTP protein function with a positive predictive value of 80%. In summary, the available evidence is currently insufficient to determine the role of this variant in disease. Therefore, it has been classified as a Variant of Uncertain Significance.

Illumina Laboratory Services, Illumina
Classification: Uncertain significance for Abetalipoproteinaemia. Last evaluated: 2018-01-13. Review status: criteria provided, single submitter. Criteria: ICSL Variant Classification Criteria 13 December 2019. Collection method: clinical testing. Allele origin: germline.

Natera, Inc.
Classification: Uncertain significance for Abetalipoproteinemia. Last evaluated: 2019-11-11. Review status: no assertion criteria provided. Collection method: clinical testing. Allele origin: germline. Not counted in ClinVar's aggregate classification.

Literature cited by the submitters: PubMed 32041611 (cited by Women's Health and Genetics/Laboratory Corporation of America, LabCorp).